The following is an entry in ClinVar:

ClinVar aggregate classification (germline): Conflicting classifications of pathogenicity. Review status: criteria provided, conflicting classifications (1 of 4 stars). 5 submissions from 5 submitters: Pathogenic (3); Likely pathogenic (1); Uncertain significance (1). Last evaluated 2024-12-06.

Conditions:
CHRND-related disorder. Also called: CHRND-related condition; CHRND-Related Disorders.
Congenital myasthenic syndrome 3A. Also called: Myasthenic syndrome, congenital, 3a, slow-channel. Identifiers: Orphanet 590, MedGen C4225372, MONDO:0014583, OMIM 616321.
Centronuclear myopathy (CNM). Also called: Centronuclear myopathy, congenital; Myotubular myopathy. Identifiers: Orphanet 595, MedGen C0175709, MONDO:0018947. Inheritance: All.
Lethal multiple pterygium syndrome (LMPS). Identifiers: Orphanet 33108, MedGen C1854678, MONDO:0009668, OMIM 253290.

Submissions (6):

3billion
Classification: Pathogenic for Congenital myasthenic syndrome 3A. Last evaluated: 2024-12-06. Review status: criteria provided, single submitter. Criteria: ACMG Guidelines, 2015. Collection method: clinical testing. Allele origin: germline. Affected: yes.
Comment: The variant is not observed in the gnomAD v4.1.0 dataset. Predicted Consequence/Location: Missense variant Functional studies provide strong evidence of the variant having a damaging effect on the gene or gene product (PMID: 31560172). In silico tool predictions suggest damaging effect of the variant on gene or gene product [REVEL: 0.80 (>=0.6, sensitivity 0.68 and specificity 0.92)]. The same nucleotide change resulting in the same amino acid change has been previously reported as pathogenic/likely pathogenic with strong evidence (ClinVar ID: VCV000694272 /PMID: 31560172). Therefore, this variant is classified as Pathogenic according to the recommendation of ACMG/AMP guideline.

Muscle and Diseases Team, Institut de Génétique et Biologie Moléculaire et Cellulaire
Classification: Pathogenic for Centronuclear myopathy. Last evaluated: 2024-03-01. Review status: criteria provided, single submitter. Criteria: ACMG Guidelines, 2015. Collection method: research. Allele origin: de novo. Affected: yes. Observed: 1 variant allele.
Comment: PS2+PM1+PM2+PP2+PP3

GeneDx
Classification: Pathogenic. Last evaluated: 2023-09-20. Review status: criteria provided, single submitter. Criteria: GeneDx Variant Classification Process June 2021. Collection method: clinical testing. Allele origin: germline. Affected: yes.
Comment: Published functional studies demonstrate a damaging effect on channel opening and closing rates (Shen et al., 2019); Not observed at significant frequency in large population cohorts (gnomAD); In silico analysis supports that this missense variant has a deleterious effect on protein structure/function; This variant is associated with the following publications: (PMID: 33030681, 31560172)

Labcorp Genetics (formerly Invitae), Labcorp
Classification: Uncertain significance for Lethal multiple pterygium syndrome. Last evaluated: 2022-08-10. Review status: criteria provided, single submitter. Criteria: Invitae Variant Classification Sherloc (09022015). Collection method: clinical testing. Allele origin: germline.
Comment: This variant is not present in population databases (gnomAD no frequency). This sequence change replaces leucine, which is neutral and non-polar, with phenylalanine, which is neutral and non-polar, at codon 294 of the CHRND protein (p.Leu294Phe). This missense change has been observed in individual(s) with congenital myasthenic syndrome (PMID: 31560172). In summary, the available evidence is currently insufficient to determine the role of this variant in disease. Therefore, it has been classified as a Variant of Uncertain Significance. Experimental studies have shown that this missense change affects CHRND function (PMID: 31560172). Advanced modeling of protein sequence and biophysical properties (such as structural, functional, and spatial information, amino acid conservation, physicochemical variation, residue mobility, and thermodynamic stability) performed at Invitae indicates that this missense variant is expected to disrupt CHRND protein function. ClinVar contains an entry for this variant (Variation ID: 694272).

Blueprint Genetics
Classification: Likely pathogenic for CHRND-related disorders. Last evaluated: 2020-08-10. Review status: criteria provided, single submitter. Criteria: ACMG Guidelines, 2015. Collection method: clinical testing. Allele origin: germline. Affected: yes. Observed: 1 variant allele.

Neuromuscular Disease Laboratory, Mayo Clinic College of Medicine
No classification provided (evidence only). Condition: Slow channel congenital myasthenic syndrome. Review status: no classification provided. Criteria: Shen et al. (Ann Clin Transl Neurol. 2019). Collection method: research. Allele origin: not applicable. Inheritance: Autosomal dominant inheritance. Functional consequence: protein gain of function. Not counted in ClinVar's aggregate classification.
Comment: "Pathogenic" was previously submitted as the classification for the variant. However, the classification appeared to be based only on an observation of functional data so it was converted to no classification on 2025-07-30.

Literature cited by the submitters: PubMed 31560172 (cited by 3billion and Labcorp Genetics (formerly Invitae), Labcorp); DOI 10.1186/s13073-024-01353-0 (cited by Muscle and Diseases Team, Institut de Génétique et Biologie Moléculaire et Cellulaire).

NM_000751.3(CHRND):c.880C>T (p.Leu294Phe)

Gene: CHRND (cholinergic receptor nicotinic delta subunit; plus strand). Cytogenetic location: 2q37.1.
Variant type: single nucleotide variant.
Coding change: c.880C>T on transcript NM_000751.3 (MANE Select); coding-DNA position 880, C replaced by T.
Protein change: p.Leu294Phe; replaces leucine 294 with phenylalanine.
Molecular consequence: missense variant.
Genome position (GRCh38, 1-based): chr2:232,531,411, C>T. VCF-style: chr2-232531411-C-T. GRCh37 (hg19) VCF-style: chr2-233396121-C-T.
Other names: c.880C>T (NM_000751.2); c.835C>T, p.Leu279Phe (NM_001256657.2); c.298C>T, p.Leu100Phe (NM_001311195.2); c.577C>T, p.Leu193Phe (NM_001311196.2); short protein forms L279F, L100F, L193F, L294F.
Identifiers: ClinVar variation 694272 (VCV000694272.15), dbSNP rs1574633904, ClinGen allele CA351002593.